The following is an entry in ClinVar:

ClinVar aggregate classification (germline): Likely benign. Review status: criteria provided, multiple submitters, no conflicts (2 of 4 stars). 2 submissions from 2 submitters: Likely benign (2). Last evaluated 2026-04-08.

Conditions:
Peroxisome biogenesis disorder 12A (Zellweger). Also called: Peroxisome biogenesis disorder 12A. Identifiers: Orphanet 912, MedGen C3554002, MONDO:0013951, OMIM 614886.
PEX19-related disorder. Also called: PEX19-related condition.

Allele frequency attached by ClinVar (database versions not stated): ExAC 0.00001; gnomAD 0.00001; gnomAD exomes 0.00002 and 0.00005; TOPMed 0.00002.
gnomAD v4.1: 15 of 1,613,826 alleles (0.00093%); highest among the groups gnomAD compares: Admixed American, 0.025%; no homozygotes.

Submissions (2):

PreventionGenetics, part of Exact Sciences
Classification: Likely benign for PEX19-related condition. Last evaluated: 2026-04-08. Review status: criteria provided, single submitter. Criteria: ACMG Guidelines, 2015. Collection method: clinical testing. Allele origin: germline.
Comment: This variant is classified as likely benign based on ACMG/AMP sequence variant interpretation guidelines (Richards et al. 2015 PMID: 25741868, with internal and published modifications).

Labcorp Genetics (formerly Invitae), Labcorp
Classification: Likely benign for Peroxisome biogenesis disorder 12A (Zellweger). Last evaluated: 2026-01-20. Review status: criteria provided, single submitter. Criteria: Invitae Variant Classification Sherloc (09022015). Collection method: clinical testing. Allele origin: germline.

NM_002857.4(PEX19):c.735G>A (p.Lys245=)

Gene: PEX19 (peroxisomal biogenesis factor 19; minus strand). Cytogenetic location: 1q23.2.
Variant type: single nucleotide variant.
Coding change: c.735G>A on transcript NM_002857.4 (MANE Select); coding-DNA position 735, G replaced by A.
Protein change: p.Lys245=; no amino-acid change (lysine 245 retained).
Molecular consequence: synonymous variant. On other transcripts: non-coding transcript variant (2).
Genome position (GRCh38, 1-based): chr1:160,280,106, C>T on the plus strand (G>A on the coding strand, the complement: PEX19 is on the minus strand). VCF-style: chr1-160280106-C-T. GRCh37 (hg19) VCF-style: chr1-160249896-C-T.
Other names: c.735G>A, p.Lys245= (NM_001193644.1); c.735G>A (NM_002857.3).
Identifiers: ClinVar variation 1158078 (VCV001158078.10), dbSNP rs749331745, ClinGen allele CA1197267.